The following is an entry in ClinVar:

NM_024675.4(PALB2):c.2650G>C (p.Glu884Gln)

Gene: PALB2 (partner and localizer of BRCA2; minus strand). Cytogenetic location: 16p12.2.
Variant type: single nucleotide variant.
Coding change: c.2650G>C on transcript NM_024675.4 (MANE Select); coding-DNA position 2650, G replaced by C.
Protein change: p.Glu884Gln; replaces glutamic acid 884 with glutamine.
Molecular consequence: missense variant.
Genome position (GRCh38, 1-based): chr16:23,626,334, C>G on the plus strand (G>C on the coding strand, the complement: PALB2 is on the minus strand). VCF-style: chr16-23626334-C-G. GRCh37 (hg19) VCF-style: chr16-23637655-C-G.
Other names: short protein forms E884Q.
Identifiers: ClinVar variation 530066 (VCV000530066.9), dbSNP rs1304351755, ClinGen allele CA395122126.

ClinVar aggregate classification (germline): Uncertain significance (1 of 4 stars; one submission).

Conditions:
Familial cancer of breast. Also called: BREAST CANCER, FAMILIAL; Hereditary breast cancer; hereditary breast carcinoma. Identifiers: Orphanet 227535, MedGen C0346153, MONDO:0016419, OMIM 114480. Disease mechanism: loss of function.

Submission:

Labcorp Genetics (formerly Invitae), Labcorp
Classification: Uncertain significance for Familial cancer of breast. Last evaluated: 2020-01-31. Review status: criteria provided, single submitter. Criteria: Invitae Variant Classification Sherloc (09022015). Collection method: clinical testing. Allele origin: germline.
Comment: In summary, the available evidence is currently insufficient to determine the role of this variant in disease. Therefore, it has been classified as a Variant of Uncertain Significance. Algorithms developed to predict the effect of missense changes on protein structure and function are either unavailable or do not agree on the potential impact of this missense change (SIFT: "Deleterious"; PolyPhen-2: "Possibly Damaging"; Align-GVGD: "Class C0"). This variant has not been reported in the literature in individuals with PALB2-related conditions. ClinVar contains an entry for this variant (Variation ID: 530066). This variant is not present in population databases (ExAC no frequency). This sequence change replaces glutamic acid with glutamine at codon 884 of the PALB2 protein (p.Glu884Gln). The glutamic acid residue is highly conserved and there is a small physicochemical difference between glutamic acid and glutamine.